The following is an entry in ClinVar:

ClinVar aggregate classification (germline): Uncertain significance (1 of 4 stars; one submission).

Conditions:
Inborn genetic diseases. Identifiers: MedGen C0950123, MeSH D030342.

Allele frequency attached by ClinVar (database versions not stated): gnomAD exomes below 0.00001.

Submission:

Ambry Genetics
Classification: Uncertain significance for Inborn genetic diseases. Last evaluated: 2024-02-26. Review status: criteria provided, single submitter. Criteria: Ambry Variant Classification Scheme 2023. Collection method: clinical testing. Allele origin: germline.
Comment: The p.K26E variant (also known as c.76A>G), located in coding exon 2 of the MDH2 gene, results from an A to G substitution at nucleotide position 76. The lysine at codon 26 is replaced by glutamic acid, an amino acid with similar properties. This amino acid position is conserved. In addition, this alteration is predicted to be deleterious by in silico analysis. Based on the available evidence, the clinical significance of this alteration remains unclear.

NM_005918.4(MDH2):c.76A>G (p.Lys26Glu)

Gene: MDH2 (malate dehydrogenase 2; plus strand). Cytogenetic location: 7q11.23.
Variant type: single nucleotide variant.
Coding change: c.76A>G on transcript NM_005918.4 (MANE Select); coding-DNA position 76, A replaced by G.
Protein change: p.Lys26Glu; replaces lysine 26 with glutamic acid.
Molecular consequence: missense variant. On other transcripts: intron variant (1).
Genome position (GRCh38, 1-based): chr7:76,054,839, A>G. VCF-style: chr7-76054839-A-G. GRCh37 (hg19) VCF-style: chr7-75684157-A-G.
Other names: c.76A>G, p.Lys26Glu (NM_001282403.2); c.-86-2571A>G (NM_001282404.2); short protein forms K26E.
Identifiers: ClinVar variation 3225213 (VCV003225213.1), dbSNP rs2535852522, ClinGen allele CA367762037.